The following is an entry in ClinVar:

ClinVar aggregate classification (germline): Likely pathogenic (1 of 4 stars; one submission).

Submission:

GeneDx
Classification: Likely pathogenic. Last evaluated: 2018-09-12. Review status: criteria provided, single submitter. Criteria: GeneDx Variant Classification (06012015). Collection method: clinical testing. Allele origin: germline. Affected: yes.
Comment: The L784X variant in the CEP290 gene has not been reported previously as a pathogenic variant nor as a benign variant, to our knowledge. This variant is predicted to cause loss of normal protein function either through protein truncation or nonsense-mediated mRNA decay. The L784X variant is not observed in large population cohorts (Lek et al., 2016). We interpret L784X as a likely pathogenic variant.

NM_025114.4(CEP290):c.2351T>A (p.Leu784Ter)

Gene: CEP290 (centrosomal protein 290; minus strand). Cytogenetic location: 12q21.32.
Variant type: single nucleotide variant.
Coding change: c.2351T>A on transcript NM_025114.4 (MANE Select); coding-DNA position 2351, T replaced by A.
Protein change: p.Leu784Ter; replaces leucine 784 with a stop codon.
Molecular consequence: nonsense.
Genome position (GRCh38, 1-based): chr12:88,111,218, A>T on the plus strand (T>A on the coding strand, the complement: CEP290 is on the minus strand). VCF-style: chr12-88111218-A-T. GRCh37 (hg19) VCF-style: chr12-88504995-A-T.
Other names: short protein forms L784*.
Identifiers: ClinVar variation 620363 (VCV000620363.1), dbSNP rs1206723575, ClinGen allele CA385974395.